The following is an entry in ClinVar:

NM_000138.5(FBN1):c.1027G>A (p.Gly343Arg)

Genes: FBN1 (fibrillin 1; minus strand), LOC113939944 (Sharpr-MPRA regulatory region 9539; plus strand). Cytogenetic location: 15q21.1.
Variant type: single nucleotide variant.
Coding change: c.1027G>A on transcript NM_000138.5 (MANE Select); coding-DNA position 1027, G replaced by A.
Protein change: p.Gly343Arg; replaces glycine 343 with arginine.
Molecular consequence: missense variant.
Genome position (GRCh38, 1-based): chr15:48,520,779, C>T on the plus strand (G>A on the coding strand, the complement: FBN1 is on the minus strand). VCF-style: chr15-48520779-C-T. GRCh37 (hg19) VCF-style: chr15-48812976-C-T.
Other names: p.G343R:GGG>AGG; short protein forms G343R.
Identifiers: ClinVar variation 161244 (VCV000161244.86), dbSNP rs146726731, ClinGen allele CA011866.

ClinVar aggregate classification (germline): Conflicting classifications of pathogenicity. Review status: criteria provided, conflicting classifications (1 of 4 stars). 23 submissions from 17 submitters: Uncertain significance (7); Likely benign (13). 3 of the submissions do not count toward it. Last evaluated 2026-09-01.

Conditions:
Connective tissue disorder. Also called: Connective tissue disease. Identifiers: MedGen C0009782, MONDO:0003900.
Lipodystrophy - childhood onset.
Weill-Marchesani syndrome. Also called: WM Syndrome; Mesodermal dysmorphodystrophy congenital. Identifiers: Orphanet 3449, MedGen C0265313, MONDO:0018096.
Geleophysic dysplasia. Identifiers: Orphanet 2623, MedGen C3489726, MONDO:0000127.
Marfan syndrome (MFS). Also called: Marfan syndrome, classic; FBN1-Related Marfan Syndrome; MARFAN SYNDROME, TYPE I; Marfan syndrome type 1; Marfan's syndrome. Identifiers: Orphanet 284963, Orphanet 558, MedGen C0024796, MONDO:0007947, OMIM 154700.
Familial thoracic aortic aneurysm and aortic dissection (TAAD). Also called: Thoracic aortic aneurysms and dissections. Identifiers: Orphanet 91387, MedGen C4707243, MONDO:0019625.
Acromicric dysplasia (ACMICD). Also called: Acromicric skeletal dysplasia. Identifiers: Orphanet 969, MedGen C0265287, MONDO:0007055, OMIM 102370.
Stiff skin syndrome (SSKS). Identifiers: Orphanet 2833, MedGen C1861456, MONDO:0008492, OMIM 184900.
Ectopia lentis 1, isolated, autosomal dominant (ECTOL1). Identifiers: Orphanet 1885, MedGen C3541518, MONDO:0007514, OMIM 129600.
FBN1-related disorder. Also called: FBN1-related disorders.

Allele frequency attached by ClinVar (database versions not stated): ESP Exome Variant Server 0.00015; ExAC 0.00016; gnomAD exomes 0.00019 and 0.00020; 1000 Genomes Project 0.00020; gnomAD 0.00021; TOPMed 0.00031; 1000 Genomes Project 30x 0.00047.
gnomAD v4.1: 331 of 1,614,140 alleles (0.021%); highest among the groups gnomAD compares: Admixed American, 0.038%; no homozygotes.

Submissions 1 to 6 of 23:

CeGaT Center for Human Genetics Tuebingen
Classification: Likely benign. Last evaluated: 2026-09-01. Review status: criteria provided, single submitter. Criteria: CeGaT Center For Human Genetics Tuebingen Variant Classification Criteria Version 2. Collection method: clinical testing. Allele origin: germline. Affected: yes. Observed: 4 variant alleles.
Comment: FBN1: BS1

Women's Health and Genetics/Laboratory Corporation of America, LabCorp
Classification: Likely benign. Last evaluated: 2026-04-29. Review status: criteria provided, single submitter. Criteria: LabCorp Variant Classification Summary - May 2015. Collection method: clinical testing. Allele origin: germline.
Comment: Variant summary: FBN1 c.1027G>A (p.Gly343Arg) results in a non-conservative amino acid change located in the TB domain (IPR017878) of the encoded protein sequence. Algorithms developed to predict the effect of missense changes on protein structure and function all suggest that this variant is likely to be disruptive. The variant allele was found at a frequency of 0.00019 in 251406 control chromosomes, predominantly at a frequency of 0.00043 within the Latino subpopulation in the gnomAD database. The observed variant frequency within Latino control individuals in the gnomAD database exceeds the estimated maximal expected allele frequency for disease-causing variants in FBN1. c.1027G>A has been observed in individuals affected with Aortopathy or MFS without strong evidence for causality (Tjeldhorn_2006, Tjeldhorn_2015, Rand-Hendriksen_2007, Viveiro_2013, Grond-Ginsbach_2017, Becerra-Munoz_2018, Kasak_2019). These reports do not provide unequivocal conclusions about association of the variant with Aortopathy. Co-occurrences with other pathogenic variant(s) have been reported ( COL3A1 c.970G>A, p.G324S), providing supporting evidence for a benign role. To our knowledge, no experimental evidence demonstrating an impact on protein function has been reported. The following publications have been ascertained in the context of this evaluation (PMID: 17253931, 17663468, 24941995, 26332594, 25637381, 25812041, 24311428, 29357934, 31008308, 31322791, 26684006). ClinVar contains an entry for this variant (Variation ID: 161244). Based on the evidence outlined above, the variant was classified as likely benign.

Labcorp Genetics (formerly Invitae), Labcorp
Classification: Likely benign for Marfan syndrome; Familial thoracic aortic aneurysm and aortic dissection. Last evaluated: 2026-02-03. Review status: criteria provided, single submitter. Criteria: Invitae Variant Classification Sherloc (09022015). Collection method: clinical testing. Allele origin: germline.

PreventionGenetics, part of Exact Sciences
Classification: Likely benign for FBN1-related condition. Last evaluated: 2026-02-03. Review status: criteria provided, single submitter. Criteria: ACMG Guidelines, 2015. Collection method: clinical testing. Allele origin: germline.
Comment: This variant is classified as likely benign based on ACMG/AMP sequence variant interpretation guidelines (Richards et al. 2015 PMID: 25741868, with internal and published modifications).

Ambry Genetics
Classification: Uncertain significance for Familial thoracic aortic aneurysm and aortic dissection. Last evaluated: 2025-12-16. Review status: criteria provided, single submitter. Criteria: Ambry Variant Classification Scheme 2023. Collection method: clinical testing. Allele origin: germline.
Comment: The p.G343R variant (also known as c.1027G>A), located in coding exon 9 of the FBN1 gene, results from a G to A substitution at nucleotide position 1027. The glycine at codon 343 is replaced by arginine, an amino acid with dissimilar properties. This alteration was first reported in a cohort of 105 patients with suspected Marfan syndrome (MFS) (Tjeldhorn L et al. Genet. Test., 2006;10:258-64). Later, the same group reported that the individual carrying this alteration was diagnosed with MFS (Rand-Hendriksen S et al. Am. J. Med. Genet. A. 2007;143A:1968-77), and had increased FBN1 mRNA in fibroblasts (Tjeldhorn L et al. BMC Med. Genet. 2015;16:113). This alteration was also described in a patient with spontaneous pneumothorax and Marfanoid habitus, and was detected in two relatives reported to have MFS in another study (Viveiro C et al. BMJ Case Rep, 2013;2013; Becerra-Mu&ntilde;oz VM. Orphanet J Rare Dis. 2018;13(1):16). This variant co-occurred with an alteration in COL3A1 in a family with carotid artery dissection, where the current variant was absent in one affected relative (Grond-Ginsbach C et al. Eur Stroke J, 2017 Jun;2:137-143). In addition, this variant has been seen in an exome cohort, but cardiovascular history was not provided (Amendola LM et al. Genome Res., 2015 Mar;25:305-15). This amino acid position is highly conserved in available vertebrate species. In addition, this alteration is predicted to be deleterious by in silico analysis. Since supporting evidence is limited at this time, the clinical significance of this alteration remains unclear.

ARUP Laboratories, Molecular Genetics and Genomics, ARUP Laboratories
Classification: Uncertain significance. Last evaluated: 2025-04-16. Review status: criteria provided, single submitter. Criteria: ARUP Molecular Germline Variant Investigation Process 2024. Collection method: clinical testing. Allele origin: germline.
Comment: The FBN1 c.1027G>A; p.Gly343Arg variant (rs146726731; ClinVar Variation ID: 161244) has been reported in multiple cohorts of individuals with suspected or confirmed Marfan syndrome (Tjeldhorn 2006, Rand-Hendriksen 2007, Viveiro 2013, Becerra-Munoz 2018, Fernandez-Alvarez 2022), including a purported de novo observation (Fernandez-Alvarez 2022). However, this variant was identified alongside other pathogenic variation in other genes in affected patients (Grond-Ginsbach 2017 and Arbustini 2017), and failed to co-segregate with disease in two cousins affected with cervical artery dissection (Grond-Ginsbach 2017). Additionally, this variant is also found in the non-Finnish European population with an allele frequency of 0.03% (33/129,054 alleles) in the Genome Aggregation Database (v2.1.1) and reported in several additional studies of variant in the general population (Amendola 2015, Groth 2016, Olfson 2015, Yang 2014). This variant is located in the TGF-beta binding (TB) domain of FBN1 (not in an EGF domain), though computational analyses predict that this variant is deleterious (REVEL: 0.863). Due to conflicting information, the clinical significance of this variant is uncertain at this time. References: Amendola et al. Actionable exomic incidental findings in 6503 participants: challenges of variant classification. Genome Res. 2015; 25(3): 305-315. PMID: 25637381 Arbustini E et al. Reply: A Distinct Cardiomyopathy: HCN4 Syndrome Comprising Myocardial Noncompaction, Bradycardia, Mitral Valve Defects, and Aortic Dilation. J Am Coll Cardiol. 2017 Mar 7;69(9):1210-1211. PMID: 28254189. Becerra-Munoz VM et al The importance of genotype-phenotype correlation in the clinical management of Marfan syndrome. Orphanet J Rare Dis. 2018 Jan 22;13(1):16. PMID: 29357934 Fernandez-Alvarez P et al. A systematic study and literature review of parental somatic mosaicism of FBN1 pathogenic variants in Marfan syndrome. J Med Genet. 2022 Jun;59(6):605-612. PMID: 33910934. Grond-Ginsbach C et al. Next generation sequencing analysis of patients with familial cervical artery dissection. Eur Stroke J. 2017 Jun;2(2):137-143. PMID: 31008308 Groth et al. Difficulties in diagnosing Marfan syndrome using current FBN1 databases. Genet Med. 2016; 18(1): 98-102. PMID: 25812041 Olfson et al. Identification of Medically Actionable Secondary Findings in the 1000 Genomes. PLoS One. 2015; 10(9): e0135193. PMID: 26332594 Rand-Hendriksen S et al. Search for correlations between FBN1 genotype and complete Ghent phenotype in 44 unrelated Norwegian patients with Marfan syndrome. Am J Med Genet A. 2007 Sep 1;143A(17):1968-77. PMID: 17663468. Tjeldhorn et al. Rapid and efficient FBN1 mutation detection using automated sample preparation and direct sequencing as the primary strategy. Genet Test. 2006; 10(4): 258-264. PMID: 17253931 Viveiro et al. Spontaneous pneumothorax as manifestation of Marfan syndrome. BMJ Case Rep. 2013; 2013. PMID: 24311428 Yang et al. New population-based exome data question the pathogenicity of some genetic variants previously associated with Marfan syndrome. BMC Genet. 2014; 15:74. PMID: 24941995